The following is an entry in ClinVar:

ClinVar aggregate classification (germline): Benign (0 of 4 stars; one submission).

Conditions:
SERPINA1-related disorder. Also called: SerpinA1-related disorders; SERPINA1-related condition.

Submission:

PreventionGenetics, part of Exact Sciences
Classification: Benign for SERPINA1-related condition. Last evaluated: 2019-09-11. Review status: no assertion criteria provided. Collection method: clinical testing. Allele origin: germline.
Comment: This variant is classified as benign based on ACMG/AMP sequence variant interpretation guidelines (Richards et al. 2015 PMID: 25741868, with internal and published modifications).

NM_000295.5(SERPINA1):c.975C>A (p.Ser325Arg)

Gene: SERPINA1 (serpin family A member 1; minus strand). Cytogenetic location: 14q32.13.
Variant type: single nucleotide variant.
Coding change: c.975C>A on transcript NM_000295.5 (MANE Select); coding-DNA position 975, C replaced by A.
Protein change: p.Ser325Arg; replaces serine 325 with arginine.
Molecular consequence: missense variant.
Genome position (GRCh38, 1-based): chr14:94,379,554, G>T on the plus strand (C>A on the coding strand, the complement: SERPINA1 is on the minus strand). VCF-style: chr14-94379554-G-T. GRCh37 (hg19) VCF-style: chr14-94845891-G-T.
Other names: c.975C>A, p.Ser325Arg (NM_001002235.3, NM_001002236.3, NM_001127700.2 and 7 more transcripts); short protein forms S325R.
Identifiers: ClinVar variation 3058986 (VCV003058986.2), dbSNP rs764238790, ClinGen allele CA390848170.
Genomic context (GRCh38, chr14:94,379,554, plus strand): 5'-GACCCCGGAGAGGTCAGCCCCATTGCTGAAGACCTTAGTGATGCCCAGTTGACCCAGGAC[G>T]CTCTTCAGATCATAGGTTCCAGTAATGGACAGTTTGGGTAAATGTAAGCTGGCAGACCTG-3'
Protein context (NP_000286.3, residues 315-335): LSITGTYDLK[Ser325Arg]VLGQLGITKV